The following is an entry in ClinVar:

NM_003060.4(SLC22A5):c.530T>C (p.Met177Thr)

Gene: SLC22A5 (solute carrier family 22 member 5; plus strand). Cytogenetic location: 5q31.1.
Variant type: single nucleotide variant.
Coding change: c.530T>C on transcript NM_003060.4 (MANE Select); coding-DNA position 530, T replaced by C.
Protein change: p.Met177Thr; replaces methionine 177 with threonine.
Molecular consequence: missense variant.
Genome position (GRCh38, 1-based): chr5:132,384,179, T>C. VCF-style: chr5-132384179-T-C. GRCh37 (hg19) VCF-style: chr5-131719871-T-C.
Other names: c.602T>C, p.Met201Thr (NM_001308122.2); short protein forms M201T, M177T.
Identifiers: ClinVar variation 840026 (VCV000840026.10), dbSNP rs761866020, ClinGen allele CA3403919.

ClinVar aggregate classification (germline): Uncertain significance. Review status: criteria provided, multiple submitters, no conflicts (2 of 4 stars). 5 submissions from 5 submitters: Uncertain significance (4). 1 of the submissions does not count toward it. Last evaluated 2025-08-18.

Conditions:
SLC22A5-related disorder. Also called: SLC22A5-related condition.
Renal carnitine transport defect (CDSP). Also called: Primary carnitine deficiency; CARNITINE DEFICIENCY, SYSTEMIC, DUE TO DEFECT IN RENAL REABSORPTION OF CARNITINE; CARNITINE TRANSPORTER, PLASMA-MEMBRANE, DEFICIENCY OF; CARNITINE UPTAKE DEFECT; Carnitine transporter deficiency; Systemic primary carnitine deficiency. Identifiers: Orphanet 158, MedGen C0342788, MONDO:0008919, OMIM 212140.

Allele frequency attached by ClinVar (database versions not stated): gnomAD exomes 0.00001 and 0.00002; ExAC 0.00002; TOPMed 0.00002; gnomAD 0.00003.

Submissions (5):

PreventionGenetics, part of Exact Sciences
Classification: Uncertain significance for SLC22A5-related condition. Last evaluated: 2025-08-18. Review status: criteria provided, single submitter. Criteria: ACMG Guidelines, 2015. Collection method: clinical testing. Allele origin: germline.
Comment: The SLC22A5 c.530T>C variant is predicted to result in the amino acid substitution p.Met177Thr. To our knowledge, this variant has not been reported in the literature. This variant is reported in 0.0040% of alleles in individuals of African descent in gnomAD. However, a different missense variant affecting this residue has been reported in a patient with abnormal newborn screening results (p.Met177Val; Li. 2010. PubMed ID: 20574985). In vitro functional characterization showed that the p.Met177Val leads to <20% of wild type OCTN2 transport activity (Frigeni et al. 2017. PubMed ID: 28841266, Koleske et al. 2022. PubMed ID: 36343260). Although we suspect that c.530T>C p.Met177Thr variant may be pathogenic, at this time, the clinical significance of this variant is uncertain due to the absence of conclusive functional and genetic evidence.

Blueprint Genetics
Classification: Uncertain significance. Last evaluated: 2023-07-17. Review status: criteria provided, single submitter. Criteria: ACMG Guidelines, 2015. Collection method: clinical testing. Allele origin: germline.

Labcorp Genetics (formerly Invitae), Labcorp
Classification: Uncertain significance for Renal carnitine transport defect. Last evaluated: 2022-07-30. Review status: criteria provided, single submitter. Criteria: Invitae Variant Classification Sherloc (09022015). Collection method: clinical testing. Allele origin: germline.
Comment: This sequence change replaces methionine, which is neutral and non-polar, with threonine, which is neutral and polar, at codon 177 of the SLC22A5 protein (p.Met177Thr). This variant is present in population databases (rs761866020, gnomAD 0.004%). This variant has not been reported in the literature in individuals affected with SLC22A5-related conditions. ClinVar contains an entry for this variant (Variation ID: 840026). Advanced modeling of protein sequence and biophysical properties (such as structural, functional, and spatial information, amino acid conservation, physicochemical variation, residue mobility, and thermodynamic stability) performed at Invitae indicates that this missense variant is expected to disrupt SLC22A5 protein function. In summary, the available evidence is currently insufficient to determine the role of this variant in disease. Therefore, it has been classified as a Variant of Uncertain Significance.

Genome-Nilou Lab
Classification: Uncertain significance for Renal carnitine transport defect. Last evaluated: 2021-07-22. Review status: criteria provided, single submitter. Criteria: ACMG Guidelines, 2015. Collection method: clinical testing. Allele origin: germline. Affected: no.

Natera, Inc.
Classification: Uncertain significance for Primary systemic carnitine deficiency. Last evaluated: 2020-09-16. Review status: no assertion criteria provided. Collection method: clinical testing. Allele origin: germline. Not counted in ClinVar's aggregate classification.